The following is an entry in ClinVar:

ClinVar aggregate classification (germline): Likely benign (1 of 4 stars; one submission).

Submission:

CeGaT Center for Human Genetics Tuebingen
Classification: Likely benign. Last evaluated: 2023-10-01. Review status: criteria provided, single submitter. Criteria: CeGaT Center For Human Genetics Tuebingen Variant Classification Criteria Version 2. Collection method: clinical testing. Allele origin: germline. Affected: yes. Observed: 1 variant allele.
Comment: RTL1: PM2:Supporting, BP4, BP7

NM_001134888.3(RTL1):c.153A>T (p.Pro51=)

Gene: RTL1 (retrotransposon Gag like 1; minus strand). Cytogenetic location: 14q32.2.
Variant type: single nucleotide variant.
Coding change: c.153A>T on transcript NM_001134888.3 (MANE Select); coding-DNA position 153, A replaced by T.
Protein change: p.Pro51=; no amino-acid change (proline 51 retained).
Molecular consequence: synonymous variant.
Genome position (GRCh38, 1-based): chr14:100,884,636, T>A on the plus strand (A>T on the coding strand, the complement: RTL1 is on the minus strand). VCF-style: chr14-100884636-T-A. GRCh37 (hg19) VCF-style: chr14-101350973-T-A.
Other names: c.153A>T, p.Pro51= (NM_001425285.1).
Identifiers: ClinVar variation 2644554 (VCV002644554.24), dbSNP rs2503977009, ClinGen allele CA487919900.